The following is an entry in ClinVar:

ClinVar aggregate classification (germline): Uncertain significance (1 of 4 stars; one submission).

Conditions:
Inborn genetic diseases. Identifiers: MedGen C0950123, MeSH D030342.

gnomAD v4.1: 18 of 1,613,352 alleles (0.0011%); highest among the groups gnomAD compares: African/African-American, 0.0027%; no homozygotes.

Submission:

Ambry Genetics
Classification: Uncertain significance for Inborn genetic diseases. Last evaluated: 2026-05-18. Review status: criteria provided, single submitter. Criteria: Ambry Variant Classification Scheme 2023. Collection method: clinical testing. Allele origin: germline.
Comment: The c.2674G>A (p.A892T) alteration is located in exon 23 (coding exon 23) of the GLDC gene. This alteration results from a G to A substitution at nucleotide position 2674, causing the alanine (A) at amino acid position 892 to be replaced by a threonine (T). Based on data from gnomAD, the A allele has an overall frequency of <0.001% (1/249262) total alleles studied. The highest observed frequency was 0.001% (1/112462) of European (non-Finnish) alleles. Based on insufficient or conflicting evidence, the clinical significance of this alteration remains unclear.

NM_000170.3(GLDC):c.2674G>A (p.Ala892Thr)

Gene: GLDC (glycine decarboxylase; minus strand). Cytogenetic location: 9p24.1.
Variant type: single nucleotide variant.
Coding change: c.2674G>A on transcript NM_000170.3 (MANE Select); coding-DNA position 2674, G replaced by A.
Protein change: p.Ala892Thr; replaces alanine 892 with threonine.
Molecular consequence: missense variant.
Genome position (GRCh38, 1-based): chr9:6,536,228, C>T on the plus strand (G>A on the coding strand, the complement: GLDC is on the minus strand). VCF-style: chr9-6536228-C-T. GRCh37 (hg19) VCF-style: chr9-6536228-C-T.
Other names: short protein forms A892T.
Identifiers: ClinVar variation 4858098 (VCV004858098.1).
Genomic context (GRCh38, chr9:6,536,228, plus strand): 5'-CCTCCGACTCAGTGGGCTCCACCATGAGGGTCCCTGCCACAGGCCAGGACATGGTAGGGG[C>T]GTGAAATCCTGCAAAGGGAGACAGGAGAACTTGCCTCACTGAAGGTCAGTGGCCTACCCA-3'
Protein context (NP_000161.2, residues 882-902): AKRLQDYGFH[Ala892Thr]PTMSWPVAGT